The following is an entry in ClinVar:

ClinVar aggregate classification (germline): Uncertain significance (1 of 4 stars; one submission).

Submission:

CeGaT Center for Human Genetics Tuebingen
Classification: Uncertain significance. Last evaluated: 2026-04-01. Review status: criteria provided, single submitter. Criteria: CeGaT Center For Human Genetics Tuebingen Variant Classification Criteria Version 2. Collection method: clinical testing. Allele origin: germline. Affected: yes. Observed: 1 variant allele.
Comment: SCN2A: PM2, PP3

NM_001040142.2(SCN2A):c.3253T>C (p.Tyr1085His)

Gene: SCN2A (sodium voltage-gated channel alpha subunit 2; plus strand). Cytogenetic location: 2q24.3.
Variant type: single nucleotide variant.
Coding change: c.3253T>C on transcript NM_001040142.2 (MANE Select); coding-DNA position 3253, T replaced by C.
Protein change: p.Tyr1085His; replaces tyrosine 1085 with histidine.
Molecular consequence: missense variant.
Genome position (GRCh38, 1-based): chr2:165,354,525, T>C. VCF-style: chr2-165354525-T-C. GRCh37 (hg19) VCF-style: chr2-166211035-T-C.
Other names: c.3253T>C, p.Tyr1085His (NM_001040143.2, NM_001371246.1, NM_001371247.1 and 1 more transcripts); short protein forms Y1085H.
Identifiers: ClinVar variation 4874371 (VCV004874371.2).